The following is an entry in ClinVar:

NM_013275.6(ANKRD11):c.7636dup (p.Ala2546fs)

Gene: ANKRD11 (ankyrin repeat domain 11; minus strand). Cytogenetic location: 16q24.3.
Variant type: Duplication.
Coding change: c.7636dup on transcript NM_013275.6 (MANE Select); coding-DNA position 7636, one base duplicated (G; older notation c.7636dupG).
Protein change: p.Ala2546fs; shifts the reading frame from alanine 2546.
Molecular consequence: frameshift variant.
Genome position (GRCh38, 1-based): chr16:89,274,891, C duplicated on the plus strand (G on the coding strand, the reverse complement: ANKRD11 is on the minus strand). VCF-style (leftmost placement, unchanged base first): chr16-89274890-G-GC. GRCh37 (hg19) VCF-style: chr16-89341298-G-GC.
Other names: c.7636dup, p.Ala2546fs (NM_001256182.2, NM_001256183.2); short protein forms A2546fs.
Identifiers: ClinVar variation 1694806 (VCV001694806.31), dbSNP rs2151701696, ClinGen allele CA2580092258.

ClinVar aggregate classification (germline): Pathogenic (1 of 4 stars; one submission).

Submission:

CeGaT Center for Human Genetics Tuebingen
Classification: Pathogenic. Last evaluated: 2022-06-01. Review status: criteria provided, single submitter. Criteria: CeGaT Center For Human Genetics Tuebingen Variant Classification Criteria Version 2. Collection method: clinical testing. Allele origin: germline. Affected: yes. Observed: 1 variant allele.
Comment: ANKRD11: PVS1, PM2, PS2:Moderate